The following is an entry in ClinVar:

ClinVar aggregate classification (germline): Uncertain significance (1 of 4 stars; one submission).

Conditions:
Autosomal dominant nocturnal frontal lobe epilepsy 5. Also called: CILIARY DYSKINESIA, PRIMARY, 28, WITH SITUS INVERSUS; CILIARY DYSKINESIA, PRIMARY, 28, WITHOUT SITUS INVERSUS; KCNT1-Related Epilepsy; Epilepsy, nocturnal frontal lobe, 5. Identifiers: Orphanet 98784, MedGen C3554306, MONDO:0014002, OMIM 615005.
Developmental and epileptic encephalopathy, 14 (DEE14). Also called: Early infantile epileptic encephalopathy 14. Identifiers: Orphanet 293181, MedGen C3554195, MONDO:0013989, OMIM 614959.

Allele frequency attached by ClinVar (database versions not stated): gnomAD exomes below 0.00001.
gnomAD v4.1: 3 of 1,613,514 alleles (0.00019%); highest among the groups gnomAD compares: Non-Finnish European, 0.00025%; no homozygotes.

Submission:

Labcorp Genetics (formerly Invitae), Labcorp
Classification: Uncertain significance for Autosomal dominant nocturnal frontal lobe epilepsy 5; Developmental and epileptic encephalopathy, 14. Last evaluated: 2022-05-21. Review status: criteria provided, single submitter. Criteria: Invitae Variant Classification Sherloc (09022015). Collection method: clinical testing. Allele origin: germline.
Comment: Advanced modeling of protein sequence and biophysical properties (such as structural, functional, and spatial information, amino acid conservation, physicochemical variation, residue mobility, and thermodynamic stability) performed at Invitae indicates that this missense variant is expected to disrupt KCNT1 protein function. In summary, the available evidence is currently insufficient to determine the role of this variant in disease. Therefore, it has been classified as a Variant of Uncertain Significance. This variant has not been reported in the literature in individuals affected with KCNT1-related conditions. This variant is not present in population databases (gnomAD no frequency). This sequence change replaces threonine, which is neutral and polar, with isoleucine, which is neutral and non-polar, at codon 303 of the KCNT1 protein (p.Thr303Ile).

NM_020822.3(KCNT1):c.908C>T (p.Thr303Ile)

Gene: KCNT1 (potassium sodium-activated channel subfamily T member 1; plus strand). Cytogenetic location: 9q34.3.
Variant type: single nucleotide variant.
Coding change: c.908C>T on transcript NM_020822.3 (MANE Select); coding-DNA position 908, C replaced by T.
Protein change: p.Thr303Ile; replaces threonine 303 with isoleucine.
Molecular consequence: missense variant.
Genome position (GRCh38, 1-based): chr9:135,759,732, C>T. VCF-style: chr9-135759732-C-T. GRCh37 (hg19) VCF-style: chr9-138651578-C-T.
Other names: c.773C>T, p.Thr258Ile (NM_001272003.2); short protein forms T303I, T258I.
Identifiers: ClinVar variation 1997259 (VCV001997259.4), dbSNP rs2490860666, ClinGen allele CA375498464.